The following is an entry in ClinVar:

ClinVar aggregate classification (germline): Uncertain significance (1 of 4 stars; one submission).

Conditions:
Congenital myasthenic syndrome 8. Also called: Myasthenic syndrome, congenital, 8, with pre- and postsynaptic defects; MYASTHENIC SYNDROME, CONGENITAL, DUE TO AGRIN DEFICIENCY. Identifiers: Orphanet 590, MedGen C3808739, MONDO:0014052, OMIM 615120.

Allele frequency attached by ClinVar (database versions not stated): gnomAD exomes below 0.00001; gnomAD 0.00001.
gnomAD v4.1: 6 of 1,609,914 alleles (0.00037%); highest among the groups gnomAD compares: Middle Eastern, 0.016%; no homozygotes.

Submission:

Labcorp Genetics (formerly Invitae), Labcorp
Classification: Uncertain significance for Congenital myasthenic syndrome 8. Last evaluated: 2024-10-02. Review status: criteria provided, single submitter. Criteria: Invitae Variant Classification Sherloc (09022015). Collection method: clinical testing. Allele origin: germline.
Comment: This sequence change replaces histidine, which is basic and polar, with tyrosine, which is neutral and polar, at codon 625 of the AGRN protein (p.His625Tyr). This variant is present in population databases (no rsID available, gnomAD 0.004%). This variant has not been reported in the literature in individuals affected with AGRN-related conditions. ClinVar contains an entry for this variant (Variation ID: 1501525). An algorithm developed to predict the effect of missense changes on protein structure and function (PolyPhen-2) suggests that this variant is likely to be disruptive. In summary, the available evidence is currently insufficient to determine the role of this variant in disease. Therefore, it has been classified as a Variant of Uncertain Significance.

NM_198576.4(AGRN):c.1873C>T (p.His625Tyr)

Gene: AGRN (agrin; plus strand). Cytogenetic location: 1p36.33.
Variant type: single nucleotide variant.
Coding change: c.1873C>T on transcript NM_198576.4 (MANE Select); coding-DNA position 1873, C replaced by T.
Protein change: p.His625Tyr; replaces histidine 625 with tyrosine.
Molecular consequence: missense variant.
Genome position (GRCh38, 1-based): chr1:1,043,897, C>T. VCF-style: chr1-1043897-C-T. GRCh37 (hg19) VCF-style: chr1-979277-C-T.
Other names: c.1873C>T, p.His625Tyr (NM_001305275.2); c.1558C>T, p.His520Tyr (NM_001364727.2); short protein forms H520Y, H625Y.
Identifiers: ClinVar variation 1501525 (VCV001501525.7), dbSNP rs1487673393, ClinGen allele CA337834906.